The following is an entry in ClinVar:

ClinVar aggregate classification (germline): Uncertain significance (1 of 4 stars; one submission).

Conditions:
Tuberous sclerosis syndrome (TSC). Also called: Tuberous Sclerosis Complex; Tuberous sclerosis. Identifiers: Orphanet 805, MedGen C0041341, MONDO:0001734.

Submission:

All of Us Research Program, National Institutes of Health
Classification: Uncertain significance for Tuberous sclerosis syndrome. Last evaluated: 2023-11-20. Review status: criteria provided, single submitter. Criteria: ACMG Guidelines, 2015. Collection method: clinical testing. Allele origin: germline. Inheritance: Autosomal dominant inheritance. Observed: 1 variant allele, 1 heterozygote.
Comment: This variant results in the loss of the translation initiator methionine at codon 1 of the TSC1 gene. However, codons 13 and 18 in exon 1 encode a methionine that may serve as an alternative translation start site prior to the first known functional domain, To our knowledge, functional studies have not been reported for this variant. This variant has not been reported in individuals affected with TSC1-related disorders in the literature. This variant has not been identified in the general population by the Genome Aggregation Database (gnomAD). The available evidence is insufficient to determine the role of this variant in disease conclusively. Therefore, this variant is classified as a Variant of Uncertain Significance.

This study involves interpretation of variants in research participants for the purpose of population health screening. Participant phenotype was not available at the time of variant classification. Additional details can be found in publication PMID: 35346344, PMCID: PMC8962531

NM_000368.5(TSC1):c.3G>A (p.Met1Ile)

Gene: TSC1 (TSC complex subunit 1; minus strand). Cytogenetic location: 9q34.13.
Variant type: single nucleotide variant.
Coding change: c.3G>A on transcript NM_000368.5 (MANE Select); coding-DNA position 3, G replaced by A.
Protein change: p.Met1Ile; changes the start codon (methionine 1).
Molecular consequence: missense variant, initiator codon variant. On other transcripts: 5 prime UTR variant (16), non-coding transcript variant (5), intron variant (2).
Genome position (GRCh38, 1-based): chr9:132,928,870, C>T on the plus strand (G>A on the coding strand, the complement: TSC1 is on the minus strand). VCF-style: chr9-132928870-C-T. GRCh37 (hg19) VCF-style: chr9-135804257-C-T.
Other names: c.3G>A, p.Met1Ile (NM_001162426.2, NM_001162427.2, NM_001406592.1 and 21 more transcripts); c.-257G>A (NM_001362177.2, NM_001406617.1, NM_001406619.1 and 3 more transcripts); c.-1091G>A (NM_001406630.1); c.-153-3131G>A (NM_001406620.1, NM_001406618.1); c.-349G>A (NM_001406614.1); c.-486G>A (NM_001406615.1, NM_001406623.1); c.-453G>A (NM_001406616.1, NM_001406624.1); c.-875G>A (NM_001406626.1, NM_001406627.1, NM_001406628.1); and 1 more; short protein forms M1I.
Identifiers: ClinVar variation 3074672 (VCV003074672.1), dbSNP rs2539147331, ClinGen allele CA375375474.
Genomic context (GRCh38, chr9:132,928,870, plus strand): 5'-CACACCCAGCATGGGGGAGTCCAGCATGGCAAGAAGCTCCCCGACATTTGCTTGTTGGGC[C>T]ATTCTCTCGCTCGAAGGCGCTGTGCTGGCTCCAGGACGTGTGCTACAGGTTCTGAAGGTT-3'
Protein context (NP_000359.1, residues 1-11): [Met1Ile]AQQANVGELL